The following is an entry in ClinVar:

NM_001267550.2(TTN):c.65024_65025del (p.Cys21675fs)

Genes: TTN (titin; minus strand), TTN-AS1 (TTN antisense RNA 1; plus strand). Cytogenetic location: 2q31.2.
Variant type: Deletion.
Coding change: c.65024_65025del on transcript NM_001267550.2 (MANE Select); coding-DNA positions 65024 to 65025, 2 bases deleted (GT; older notation c.65024_65025delGT).
Protein change: p.Cys21675fs; shifts the reading frame from cysteine 21675.
Molecular consequence: frameshift variant.
Genome position (GRCh38, 1-based): chr2:178,584,526-178,584,527, AC deleted on the plus strand (GT on the coding strand, the reverse complement: TTN is on the minus strand); deleting any 2 consecutive bases within chr2:178,584,526-178,584,528 gives the same sequence; the c. name uses the placement nearest the transcript's 3' end. VCF-style (leftmost placement, unchanged base first): chr2-178584525-TAC-T. GRCh37 (hg19) VCF-style: chr2-179449252-TAC-T.
Other names: c.60101_60102del, p.Cys20034fs (NM_001256850.1); c.37829_37830del, p.Cys12610fs (NM_003319.4); c.57320_57321del, p.Cys19107fs (NM_133378.4); c.38204_38205del, p.Cys12735fs (NM_133432.3); c.38405_38406del, p.Cys12802fs (NM_133437.4); short protein forms C12610fs, C12735fs, C12802fs, C19107fs, C20034fs, C21675fs.
Identifiers: ClinVar variation 3754756 (VCV003754756.2).

ClinVar aggregate classification (germline): Likely pathogenic (1 of 4 stars; one submission).

Conditions:
Autosomal recessive limb-girdle muscular dystrophy type 2J (LGMDR10). Also called: Limb-girdle muscular dystrophy, type 2J; MUSCULAR DYSTROPHY, LIMB-GIRDLE, AUTOSOMAL RECESSIVE 10. Identifiers: Orphanet 140922, MedGen C1837342, MONDO:0012127, OMIM 608807.
Dilated cardiomyopathy 1G (CMD1G). Identifiers: Orphanet 154, MedGen C1858763, MONDO:0011400, OMIM 604145.

Submission:

Labcorp Genetics (formerly Invitae), Labcorp
Classification: Likely pathogenic for Dilated cardiomyopathy 1G; Autosomal recessive limb-girdle muscular dystrophy type 2J. Last evaluated: 2024-10-05. Review status: criteria provided, single submitter. Criteria: Invitae Variant Classification Sherloc (09022015). Collection method: clinical testing. Allele origin: germline.
Comment: This sequence change creates a premature translational stop signal (p.Cys21675Tyrfs*10) in the TTN gene. While this is not anticipated to result in nonsense mediated decay, it is expected to create a truncated TTN protein. This variant is not present in population databases (gnomAD no frequency). This variant has not been reported in the literature in individuals affected with TTN-related conditions. This variant is located in the A band of TTN (PMID: 25589632). Truncating variants in this region are significantly overrepresented in patients affected with dilated cardiomyopathy (PMID: 25589632). Truncating variants in this region have also been reported in individuals affected with autosomal recessive centronuclear myopathy (PMID: 23975875). In summary, the currently available evidence indicates that the variant is pathogenic, but additional data are needed to prove that conclusively. Therefore, this variant has been classified as Likely Pathogenic.

Literature cited by the submitters: PubMed 25589632; PubMed 23975875.